The following is an entry in ClinVar:

NM_001323289.2(CDKL5):c.1076G>C (p.Gly359Ala)

Gene: CDKL5 (cyclin dependent kinase like 5; plus strand). Cytogenetic location: Xp22.13.
Variant type: single nucleotide variant.
Coding change: c.1076G>C on transcript NM_001323289.2 (MANE Select); coding-DNA position 1076, G replaced by C.
Protein change: p.Gly359Ala; replaces glycine 359 with alanine.
Molecular consequence: missense variant.
Genome position (GRCh38, 1-based): chrX:18,604,000, G>C. VCF-style: chrX-18604000-G-C. GRCh37 (hg19) VCF-style: chrX-18622120-G-C.
Other names: c.1076G>C, p.Gly359Ala (NM_001037343.2, NM_003159.3); short protein forms G359A.
Identifiers: ClinVar variation 1006373 (VCV001006373.9), dbSNP rs1207429249, ClinGen allele CA412359299.

ClinVar aggregate classification (germline): Uncertain significance (1 of 4 stars; one submission).

Conditions:
Angelman syndrome-like. Identifiers: MedGen CN128785.
Developmental and epileptic encephalopathy, 2 (DEE2). Also called: INFANTILE SPASM SYNDROME, X-LINKED 2; CDKL5 deficiency disorder. Identifiers: Orphanet 1934, Orphanet 3451, Orphanet 505652, MedGen C4750718, MONDO:0010396, OMIM 300672.

Allele frequency attached by ClinVar (database versions not stated): gnomAD 0.00001; TOPMed below 0.00001.
gnomAD v4.1: 2 of 1,209,126 alleles (0.00017%); highest among the groups gnomAD compares: Non-Finnish European, 0.00011%; no homozygotes.

Submission:

Labcorp Genetics (formerly Invitae), Labcorp
Classification: Uncertain significance for Developmental and epileptic encephalopathy, 2; Angelman syndrome-like. Last evaluated: 2020-10-27. Review status: criteria provided, single submitter. Criteria: Invitae Variant Classification Sherloc (09022015). Collection method: clinical testing. Allele origin: germline.
Comment: In summary, the available evidence is currently insufficient to determine the role of this variant in disease. Therefore, it has been classified as a Variant of Uncertain Significance. Advanced modeling of protein sequence and biophysical properties (such as structural, functional, and spatial information, amino acid conservation, physicochemical variation, residue mobility, and thermodynamic stability) performed at Invitae indicates that this missense variant is not expected to disrupt CDKL5 protein function. This variant has not been reported in the literature in individuals with CDKL5-related conditions. This variant is not present in population databases (ExAC no frequency). This sequence change replaces glycine with alanine at codon 359 of the CDKL5 protein (p.Gly359Ala). The glycine residue is moderately conserved and there is a small physicochemical difference between glycine and alanine.